The following is an entry in ClinVar:

NM_004990.4(MARS1):c.995T>C (p.Ile332Thr)

Gene: MARS1 (methionyl-tRNA synthetase 1; plus strand). Cytogenetic location: 12q13.3.
Variant type: single nucleotide variant.
Coding change: c.995T>C on transcript NM_004990.4 (MANE Select); coding-DNA position 995, T replaced by C.
Protein change: p.Ile332Thr; replaces isoleucine 332 with threonine.
Molecular consequence: missense variant.
Genome position (GRCh38, 1-based): chr12:57,498,527, T>C. VCF-style: chr12-57498527-T-C. GRCh37 (hg19) VCF-style: chr12-57892310-T-C.
Other names: short protein forms I332T.
Identifiers: ClinVar variation 1923498 (VCV001923498.5), dbSNP rs1476050845, ClinGen allele CA385455839.
Genomic context (GRCh38, chr12:57,498,527, plus strand): 5'-ATGAGTATGGTACAGCAACAGAGACCAAGGCTCTGGAGGAGGGACTAACCCCCCAGGAGA[T>C]CTGCGACAAGTACCACATCATCCATGCTGACATCTACCGCTGGTTTAACATTTCGTTTGA-3'
Protein context (NP_004981.2, residues 322-342): ALEEGLTPQE[Ile332Thr]CDKYHIIHAD

ClinVar aggregate classification (germline): Uncertain significance (1 of 4 stars; one submission).

Conditions:
Severe early-onset pulmonary alveolar proteinosis due to MARS deficiency. Also called: PULMONARY ALVEOLAR PROTEINOSIS, REUNION ISLAND; Interstitial lung and liver disease. Identifiers: Orphanet 440427, MedGen C4225400, MONDO:0014206, OMIM 615486.
Charcot-Marie-Tooth disease axonal type 2U. Also called: CHARCOT-MARIE-TOOTH NEUROPATHY, TYPE 2U; CHARCOT-MARIE-TOOTH DISEASE, AXONAL, AUTOSOMAL DOMINANT, TYPE 2U. Identifiers: Orphanet 397735, MedGen C4084821, MONDO:0014566, OMIM 616280.

Allele frequency attached by ClinVar (database versions not stated): gnomAD exomes below 0.00001.
gnomAD v4.1: 6 of 1,614,228 alleles (0.00037%); highest among the groups gnomAD compares: Non-Finnish European, 0.00051%; no homozygotes.

Submission:

Labcorp Genetics (formerly Invitae), Labcorp
Classification: Uncertain significance for Charcot-Marie-Tooth disease axonal type 2U; Severe early-onset pulmonary alveolar proteinosis due to MARS deficiency. Last evaluated: 2023-05-17. Review status: criteria provided, single submitter. Criteria: Invitae Variant Classification Sherloc (09022015). Collection method: clinical testing. Allele origin: germline.
Comment: This variant has not been reported in the literature in individuals affected with MARS-related conditions. In summary, the available evidence is currently insufficient to determine the role of this variant in disease. Therefore, it has been classified as a Variant of Uncertain Significance. An algorithm developed to predict the effect of missense changes on protein structure and function (PolyPhen-2) suggests that this variant is likely to be disruptive. ClinVar contains an entry for this variant (Variation ID: 1923498). This variant is present in population databases (no rsID available, gnomAD 0.0009%). This sequence change replaces isoleucine, which is neutral and non-polar, with threonine, which is neutral and polar, at codon 332 of the MARS protein (p.Ile332Thr).